The following is an entry in ClinVar:

ClinVar aggregate classification (germline): Pathogenic. Review status: criteria provided, multiple submitters, no conflicts (2 of 4 stars). 2 submissions from 2 submitters: Pathogenic (2). Last evaluated 2025-08-04.

Conditions:
Familial adenomatous polyposis 1 (FAP1). Also called: FAMILIAL ADENOMATOUS POLYPOSIS 1, ATTENUATED; POLYPOSIS, ADENOMATOUS INTESTINAL. Identifiers: MedGen C2713442, MONDO:0021056, OMIM 175100. Disease mechanism: loss of function.

Submissions (2):

Labcorp Genetics (formerly Invitae), Labcorp
Classification: Pathogenic for Familial adenomatous polyposis 1. Last evaluated: 2025-08-04. Review status: criteria provided, single submitter. Criteria: Invitae Variant Classification Sherloc (09022015). Collection method: clinical testing. Allele origin: germline.
Comment: This sequence change creates a premature translational stop signal (p.Gln1477*) in the APC gene. While this is not anticipated to result in nonsense mediated decay, it is expected to disrupt the last 1367 amino acid(s) of the APC protein. This variant is not present in population databases (gnomAD no frequency). This premature translational stop signal has been observed in individual(s) with familial adenomatous polyposis (PMID: 20685668). ClinVar contains an entry for this variant (Variation ID: 2584019). A different truncation (p.Tyr2645Lysfs*14) that lies downstream of this variant has been determined to be pathogenic (PMID: 9824584, 1316610, 27081525, 8381579, 22135120, internal data). This suggests that deletion of this region of the APC protein is causative of disease. This variant is expected to disrupt the EB1 and HDLG binding sites, which mediate interactions with the cytoskeleton (PMID: 15311282, 17293347). While functional studies have not been performed to directly test the effect on APC protein function, this suggests that disruption of the C-terminal portion of the protein is functionally important. For these reasons, this variant has been classified as Pathogenic.

Myriad Genetics, Inc.
Classification: Pathogenic for Familial adenomatous polyposis 1. Last evaluated: 2023-05-11. Review status: criteria provided, single submitter. Criteria: Myriad Autosomal Dominant, Autosomal Recessive and X-Linked Classification Criteria (2023). Collection method: clinical testing. Allele origin: unknown.
Comment: This variant is considered pathogenic. This variant creates a termination codon and is predicted to result in premature protein truncation.

Literature cited by the submitters: PubMed 20685668 (cited by Labcorp Genetics (formerly Invitae), Labcorp); PubMed 9824584 (cited by Labcorp Genetics (formerly Invitae), Labcorp); PubMed 1316610 (cited by Labcorp Genetics (formerly Invitae), Labcorp); PubMed 27081525 (cited by Labcorp Genetics (formerly Invitae), Labcorp); PubMed 8381579 (cited by Labcorp Genetics (formerly Invitae), Labcorp); PubMed 22135120 (cited by Labcorp Genetics (formerly Invitae), Labcorp); PubMed 15311282 (cited by Labcorp Genetics (formerly Invitae), Labcorp); PubMed 17293347 (cited by Labcorp Genetics (formerly Invitae), Labcorp).

NM_000038.6(APC):c.4429C>T (p.Gln1477Ter)

Gene: APC (APC regulator of Wnt signaling pathway; plus strand). Cytogenetic location: 5q22.2.
Variant type: single nucleotide variant.
Coding change: c.4429C>T on transcript NM_000038.6 (MANE Select); coding-DNA position 4429, C replaced by T.
Protein change: p.Gln1477Ter; replaces glutamine 1477 with a stop codon.
Molecular consequence: nonsense. On other transcripts: non-coding transcript variant (2).
Genome position (GRCh38, 1-based): chr5:112,840,023, C>T. VCF-style: chr5-112840023-C-T. GRCh37 (hg19) VCF-style: chr5-112175720-C-T.
Other names: c.4429C>T, p.Gln1477Ter (NM_001127510.3, NM_001354895.2, NM_001407450.1); c.4375C>T, p.Gln1459Ter (NM_001127511.3); c.4483C>T, p.Gln1495Ter (NM_001354896.2, NM_001407447.1, NM_001407448.1 and 1 more transcripts); c.4459C>T, p.Gln1487Ter (NM_001354897.2); c.4354C>T, p.Gln1452Ter (NM_001354898.2); c.4345C>T, p.Gln1449Ter (NM_001354899.2); c.4306C>T, p.Gln1436Ter (NM_001354900.2); c.4252C>T, p.Gln1418Ter (NM_001354901.2, NM_001407453.1); and 11 more; short protein forms Q1093*, Q1194*, Q1317*, Q1348*, Q1351*, Q1376*, Q1386*, Q1394*.
Identifiers: ClinVar variation 2584019 (VCV002584019.2), dbSNP rs2149914507, ClinGen allele CA16031027.
Genomic context (GRCh38, chr5:112,840,023, plus strand): 5'-GCACCTACTGCTGAAAAGAGAGAGAGTGGACCTAAGCAAGCTGCAGTAAATGCTGCAGTT[C>T]AGAGGGTCCAGGTTCTTCCAGATGCTGATACTTTATTACATTTTGCCACGGAAAGTACTC-3'